The following is an entry in ClinVar:

ClinVar aggregate classification (germline): Uncertain significance (1 of 4 stars; one submission).

Allele frequency attached by ClinVar (database versions not stated): gnomAD exomes below 0.00001.
gnomAD v4.1: 2 of 1,614,010 alleles (0.00012%); highest among the groups gnomAD compares: Non-Finnish European, 0.00017%; no homozygotes.

Submission:

Labcorp Genetics (formerly Invitae), Labcorp
Classification: Uncertain significance. Last evaluated: 2022-03-27. Review status: criteria provided, single submitter. Criteria: Invitae Variant Classification Sherloc (09022015). Collection method: clinical testing. Allele origin: germline.
Comment: This variant has not been reported in the literature in individuals affected with NBAS-related conditions. Algorithms developed to predict the effect of missense changes on protein structure and function (SIFT, PolyPhen-2, Align-GVGD) all suggest that this variant is likely to be disruptive. In summary, the available evidence is currently insufficient to determine the role of this variant in disease. Therefore, it has been classified as a Variant of Uncertain Significance. This variant is not present in population databases (gnomAD no frequency). This sequence change replaces tyrosine, which is neutral and polar, with asparagine, which is neutral and polar, at codon 1110 of the NBAS protein (p.Tyr1110Asn).

NM_015909.4(NBAS):c.3328T>A (p.Tyr1110Asn)

Gene: NBAS (NBAS subunit of NRZ tethering complex; minus strand). Cytogenetic location: 2p24.3.
Variant type: single nucleotide variant.
Coding change: c.3328T>A on transcript NM_015909.4 (MANE Select); coding-DNA position 3328, T replaced by A.
Protein change: p.Tyr1110Asn; replaces tyrosine 1110 with asparagine.
Molecular consequence: missense variant. On other transcripts: non-coding transcript variant (1).
Genome position (GRCh38, 1-based): chr2:15,383,247, A>T on the plus strand (T>A on the coding strand, the complement: NBAS is on the minus strand). VCF-style: chr2-15383247-A-T. GRCh37 (hg19) VCF-style: chr2-15523371-A-T.
Other names: short protein forms Y1110N.
Identifiers: ClinVar variation 2118480 (VCV002118480.3), dbSNP rs2528786405, ClinGen allele CA345897955.